The following is an entry in ClinVar:

NM_000964.4(RARA):c.826C>T (p.Arg276Trp)

Gene: RARA (retinoic acid receptor alpha; plus strand). Cytogenetic location: 17q21.2.
Variant type: single nucleotide variant.
Coding change: c.826C>T on transcript NM_000964.4 (MANE Select); coding-DNA position 826, C replaced by T.
Protein change: p.Arg276Trp; replaces arginine 276 with tryptophan.
Molecular consequence: missense variant.
Genome position (GRCh38, 1-based): chr17:40,354,320, C>T. VCF-style: chr17-40354320-C-T. GRCh37 (hg19) VCF-style: chr17-38510572-C-T.
Other names: c.811C>T, p.Arg271Trp (NM_001024809.4); c.826C>T, p.Arg276Trp (NM_001145301.3); c.535C>T, p.Arg179Trp (NM_001145302.3); short protein forms R276W, R179W, R271W.
Identifiers: ClinVar variation 191350 (VCV000191350.4), dbSNP rs786205678, ClinGen allele CA199763.

ClinVar aggregate classification (germline): Uncertain significance. Review status: criteria provided, multiple submitters, no conflicts (2 of 4 stars). 4 submissions from 4 submitters: Uncertain significance (2). 2 of the submissions do not count toward it. Last evaluated 2025-10-27.

Conditions:
RARA-related condition.
Syndromic disease. Identifiers: MedGen C0039082, MONDO:0002254.
Tretinoin response. Also called: Retin-A response; All trans retinoic acid response; ATRA response. Identifiers: MedGen CN078026.

Submissions (4):

Victorian Clinical Genetics Services, Murdoch Childrens Research Institute
Classification: Uncertain significance for Syndromic disease. Last evaluated: 2025-10-27. Review status: criteria provided, single submitter. Criteria: ACMG Guidelines, 2015. Collection method: clinical testing. Allele origin: germline. Affected: yes.
Comment: This variant is classified as VUS-3A. Evidence in support of pathogenic classification: Variant is absent from gnomAD (v2, v3 and v4); This variant has limited previous evidence of pathogenicity in an unrelated individual(s). This variant has been reported in the literature in an affected individual with a syndromic phenotype (PMID: 31343737). In addition, this variant has been identified in an individual from a cohort with hypospadias; however, further phenotypic information was not available (PMID: 33468338); Another missense variant comparable to the one identified in this case has limited previous evidence for pathogenicity. p.(Arg276Gln) has been classified as a variant of uncertain significance, and as likely pathogenic by two submitters in the ClinVar database in individuals with a syndromic phenotype including poor growth and developmental delay; Missense variant in a region that is highly intolerant to missense variation (high constraint region in DECIPHER). This variant is located in the annotated ligand binding domain and the residue has been demonstrated to be critical for binding the substrate retinoic acid (PMID: 23670176, 11438209); Missense variant predicted to be damaging by in silico tool(s) or highly conserved with a major amino acid change. Additional information: Variant is predicted to result in a missense amino acid change from Arg to Trp; This variant is heterozygous; This gene is associated with autosomal dominant disease; Alternative amino acid change(s) at the same position are present in gnomAD (highest allele count: v4: 1 heterozygote(s), 0 homozygote(s); No published evidence of segregation with disease has been identified for this variant; The mechanism of disease for this gene is not clearly established. The gene-disease relationship is still evolving. Missense variants shown to be de novo have been reported in three individuals in the literature with associated syndromic phenotypes (PMID: 31343737, 37086723).

PreventionGenetics, part of Exact Sciences
Classification: Uncertain significance for RARA-related condition. Last evaluated: 2025-09-09. Review status: criteria provided, single submitter. Criteria: ACMG Guidelines, 2015. Collection method: clinical testing. Allele origin: germline.
Comment: The RARA c.826C>T variant is predicted to result in the amino acid substitution p.Arg276Trp. This variant was reported as de novo in an individual with chorioretinal congenital coloboma, hypotonia, minor dysmorphic features, thoracic hyperkyphosis, imbilical hernia, abnormal brain MRI and and an ectopic kidney (Jakubiuk-Tomaszuk et al. 2019. PubMed ID: 31343737). An amino acid substitution at the homologous residue in RARB (p.Arg269Gln) has also been shown to be deleterious in patients with RARB-related disorders (Caron et al. 2023. PubMed ID: 37092537). The c.826C>T variant in RARA has not been reported in a large population database (gnomAD), indicating this variant is rare. At this time, the clinical significance of this variant is uncertain due to the absence of conclusive functional and genetic evidence.

OMIM
Classification: Uncertain significance for VARIANT OF UNKNOWN SIGNIFICANCE. Last evaluated: 2021-01-14. Review status: no assertion criteria provided. Collection method: literature only. Allele origin: germline. Not counted in ClinVar's aggregate classification.

Center for Advanced Molecular Diagnostics, Cytogenetics Laboratory, Brigham and Women's Hospital
Classification: drug response for all trans retinoic acid (ATRA) response. Last evaluated: 2015-03-01. Review status: no assertion criteria provided. Collection method: clinical testing. Allele origin: somatic. Affected: yes. Observed: 1 variant allele. Study: Atypical acute promyelocytic leukemia. Not counted in ClinVar's aggregate classification.
Comment: Associated with resistance of acute promyelocytic leukemia to all trans retinoic acid (ATRA)

Targeted exon sequencing

Literature cited by the submitters: PubMed 37086723 (cited by Victorian Clinical Genetics Services, Murdoch Childrens Research Institute); PubMed 31343737 (cited by Victorian Clinical Genetics Services, Murdoch Childrens Research Institute and OMIM); PubMed 23670176 (cited by Victorian Clinical Genetics Services, Murdoch Childrens Research Institute and Center for Advanced Molecular Diagnostics, Cytogenetics Laboratory, Brigham and Women's Hospital); PubMed 33468338 (cited by Victorian Clinical Genetics Services, Murdoch Childrens Research Institute); PubMed 11438209 (cited by Victorian Clinical Genetics Services, Murdoch Childrens Research Institute and Center for Advanced Molecular Diagnostics, Cytogenetics Laboratory, Brigham and Women's Hospital).